The following is an entry in ClinVar:

ClinVar aggregate classification (germline): Likely benign. Review status: criteria provided, multiple submitters, no conflicts (2 of 4 stars). 2 submissions from 2 submitters: Likely benign (2). Last evaluated 2025-01-25.

Conditions:
Familial hypercholesterolemia. Also called: Familial hypercholesterolemias; Familial hypercholesterolaemia. Identifiers: MedGen C0020445, MONDO:0005439.
Familial hypobetalipoproteinemia 1. Also called: APOB-Related Familial Hypobetalipoproteinemia; Hypobetalipoproteinemia, normotriglyceridemic; Acanthocytosis with hypobetalipoproteinemia. Identifiers: MedGen C4551990, MONDO:0014252, OMIM 615558.
Hypercholesterolemia, autosomal dominant, type B (FHCL2). Also called: Familial Hypercholesterolemia Type B; APOLIPOPROTEIN B-100, FAMILIAL DEFECTIVE; APOLIPOPROTEIN B-100, FAMILIAL LIGAND-DEFECTIVE; HYPERCHOLESTEROLEMIA, FAMILIAL, DUE TO LIGAND-DEFECTIVE APOLIPOPROTEIN B; Hyperlipoproteinemia Type IIb; Familial hypercholesterolemia 2. Identifiers: MedGen C1704417, MONDO:0007751, OMIM 144010.

gnomAD v4.1: 1 of 1,614,116 alleles (0.000062%); highest among the groups gnomAD compares: Middle Eastern, 0.016%; no homozygotes.

Submissions (2):

Labcorp Genetics (formerly Invitae), Labcorp
Classification: Likely benign for Familial hypobetalipoproteinemia 1; Hypercholesterolemia, autosomal dominant, type B. Last evaluated: 2025-01-25. Review status: criteria provided, single submitter. Criteria: Invitae Variant Classification Sherloc (09022015). Collection method: clinical testing. Allele origin: germline.

GENinCode PLC
Classification: Likely benign for Familial hypercholesterolemia. Last evaluated: 2025-01-21. Review status: criteria provided, single submitter. Criteria: ACMG Guidelines, 2015. Collection method: clinical testing. Allele origin: germline.
Comment: This is a synonymous (silent) variant that is not predicted to impact splicing and occurs at a nucleotide which is not highly conserved. This variant has been classified as Likely Benign (BP4, BP7).

NM_000384.3(APOB):c.4350A>G (p.Lys1450=)

Gene: APOB (apolipoprotein B; minus strand). Cytogenetic location: 2p24.1.
Variant type: single nucleotide variant.
Coding change: c.4350A>G on transcript NM_000384.3 (MANE Select); coding-DNA position 4350, A replaced by G.
Protein change: p.Lys1450=; no amino-acid change (lysine 1450 retained).
Molecular consequence: synonymous variant.
Genome position (GRCh38, 1-based): chr2:21,012,518, T>C on the plus strand (A>G on the coding strand, the complement: APOB is on the minus strand). VCF-style: chr2-21012518-T-C. GRCh37 (hg19) VCF-style: chr2-21235390-T-C.
Other names: c.4350A>G (NM_000384.2).
Identifiers: ClinVar variation 3760432 (VCV003760432.3).